The following is an entry in ClinVar:

ClinVar aggregate classification (germline): Uncertain significance (1 of 4 stars; one submission).

Conditions:
Pyridoxine-dependent epilepsy (EPEO4). Also called: Pyridoxine-Dependent Seizures; Pyridoxine-Dependent Epilepsy - ALDH7A1; PYRIDOXINE DEPENDENCY WITH SEIZURES; EPILEPSY, EARLY-ONSET, 4, VITAMIN B6-DEPENDENT. Identifiers: Orphanet 3006, MedGen C1849508, MONDO:0009945, OMIM 266100. Disease mechanism: loss of function.

Allele frequency attached by ClinVar (database versions not stated): gnomAD exomes 0.00002; ExAC 0.00001.
gnomAD v4.1: 23 of 1,612,538 alleles (0.0014%); highest among the groups gnomAD compares: Non-Finnish European, 0.0019%; no homozygotes.

Submission:

Labcorp Genetics (formerly Invitae), Labcorp
Classification: Uncertain significance for Pyridoxine-dependent epilepsy. Last evaluated: 2022-04-12. Review status: criteria provided, single submitter. Criteria: Invitae Variant Classification Sherloc (09022015). Collection method: clinical testing. Allele origin: germline.
Comment: This sequence change replaces glutamic acid, which is acidic and polar, with lysine, which is basic and polar, at codon 75 of the ALDH7A1 protein (p.Glu75Lys). This variant is present in population databases (rs749111036, gnomAD 0.0009%). This variant has not been reported in the literature in individuals affected with ALDH7A1-related conditions. Advanced modeling of protein sequence and biophysical properties (such as structural, functional, and spatial information, amino acid conservation, physicochemical variation, residue mobility, and thermodynamic stability) performed at Invitae indicates that this missense variant is not expected to disrupt ALDH7A1 protein function. In summary, the available evidence is currently insufficient to determine the role of this variant in disease. Therefore, it has been classified as a Variant of Uncertain Significance.

NM_001182.5(ALDH7A1):c.223G>A (p.Glu75Lys)

Gene: ALDH7A1 (aldehyde dehydrogenase 7 family member A1; minus strand). Cytogenetic location: 5q23.2.
Variant type: single nucleotide variant.
Coding change: c.223G>A on transcript NM_001182.5 (MANE Select); coding-DNA position 223, G replaced by A.
Protein change: p.Glu75Lys; replaces glutamic acid 75 with lysine.
Molecular consequence: missense variant.
Genome position (GRCh38, 1-based): chr5:126,593,374, C>T on the plus strand (G>A on the coding strand, the complement: ALDH7A1 is on the minus strand). VCF-style: chr5-126593374-C-T. GRCh37 (hg19) VCF-style: chr5-125929066-C-T.
Other names: c.223G>A, p.Glu75Lys (NM_001202404.2); c.139G>A, p.Glu47Lys (NM_001201377.2); short protein forms E47K, E75K.
Identifiers: ClinVar variation 2125711 (VCV002125711.1), dbSNP rs749111036, ClinGen allele CA3389863.